The following is an entry in ClinVar:

NM_001163560.3(MEIOB):c.34A>G (p.Thr12Ala)

Gene: MEIOB (meiosis specific with OB-fold; minus strand). Cytogenetic location: 16p13.3.
Variant type: single nucleotide variant.
Coding change: c.34A>G on transcript NM_001163560.3 (MANE Select); coding-DNA position 34, A replaced by G.
Protein change: p.Thr12Ala; replaces threonine 12 with alanine.
Molecular consequence: missense variant.
Genome position (GRCh38, 1-based): chr16:1,868,142, T>C on the plus strand (A>G on the coding strand, the complement: MEIOB is on the minus strand). VCF-style: chr16-1868142-T-C. GRCh37 (hg19) VCF-style: chr16-1918143-T-C.
Other names: c.34A>G, p.Thr12Ala (NM_152764.3); short protein forms T12A.
Identifiers: ClinVar variation 3053766 (VCV003053766.2), dbSNP rs377362979, ClinGen allele CA7822011.

ClinVar aggregate classification (germline): Likely benign (0 of 4 stars; one submission).

Conditions:
MEIOB-related disorder. Also called: MEIOB-related condition.

Allele frequency attached by ClinVar (database versions not stated): gnomAD exomes 0.00014; ExAC 0.00060; 1000 Genomes Project 30x 0.00141; 1000 Genomes Project 0.00160; TOPMed 0.00178; ESP Exome Variant Server 0.00219.
gnomAD v4.1: 424 of 1,534,828 alleles (0.028%); highest among the groups gnomAD compares: African/African-American, 0.47%; no homozygotes.

Submission:

PreventionGenetics, part of Exact Sciences
Classification: Likely benign for MEIOB-related condition. Last evaluated: 2019-08-20. Review status: no assertion criteria provided. Collection method: clinical testing. Allele origin: germline.
Comment: This variant is classified as likely benign based on ACMG/AMP sequence variant interpretation guidelines (Richards et al. 2015 PMID: 25741868, with internal and published modifications).